The following is an entry in ClinVar:

ClinVar aggregate classification (germline): Pathogenic (1 of 4 stars; one submission).

Conditions:
X-linked Emery-Dreifuss muscular dystrophy. Also called: Muscular dystrophy, tardive Emery-Dreifuss type, with contractures. Identifiers: Orphanet 261, Orphanet 98863, MedGen C0751337, MONDO:0010680.

Submission:

Labcorp Genetics (formerly Invitae), Labcorp
Classification: Pathogenic for X-linked Emery-Dreifuss muscular dystrophy. Last evaluated: 2021-08-21. Review status: criteria provided, single submitter. Criteria: Invitae Variant Classification Sherloc (09022015). Collection method: clinical testing. Allele origin: germline.
Comment: This sequence change creates a premature translational stop signal (p.Phe190Leufs*47) in the EMD gene. While this is not anticipated to result in nonsense mediated decay, it is expected to disrupt the last 65 amino acid(s) of the EMD protein. This variant is not present in population databases (ExAC no frequency). This variant has not been reported in the literature in individuals affected with EMD-related conditions. This variant disrupts a region of the EMD protein in which other variant(s) (p.Leu217Profs*31) have been determined to be pathogenic (Invitae). This suggests that this is a clinically significant region of the protein, and that variants that disrupt it are likely to be disease-causing. For these reasons, this variant has been classified as Pathogenic.

NM_000117.3(EMD):c.570del (p.Phe190fs)

Gene: EMD (emerin; plus strand). Cytogenetic location: Xq28.
Variant type: Deletion.
Coding change: c.570del on transcript NM_000117.3 (MANE Select); coding-DNA position 570, one base deleted (T; older notation c.570delT).
Protein change: p.Phe190fs; shifts the reading frame from phenylalanine 190.
Molecular consequence: frameshift variant.
Genome position (GRCh38, 1-based): chrX:154,381,002, T deleted; the last of 4 consecutive T bases (chrX:154,380,999-154,381,002); deleting any one gives the same sequence. VCF-style (leftmost placement, unchanged base first): chrX-154380998-CT-C. GRCh37 (hg19) VCF-style: chrX-153609358-CT-C.
Other names: short protein forms F190fs.
Identifiers: ClinVar variation 1456997 (VCV001456997.6), dbSNP rs2148128871, ClinGen allele CA2573159415.